The following is an entry in ClinVar:

ClinVar aggregate classification (germline): Conflicting classifications of pathogenicity. Review status: criteria provided, conflicting classifications (1 of 4 stars). 6 submissions from 6 submitters: Uncertain significance (5); Likely benign (1). Last evaluated 2025-12-24.

Conditions:
Hereditary breast ovarian cancer syndrome. Also called: Hereditary breast and ovarian cancer; Hereditary breast and/or ovarian cancer syndrome; Hereditary breast and ovarian cancer syndrome; Hereditary breast and ovarian cancer syndrome (HBOC); Breast and ovarian cancer; BRCA1- and BRCA2-Associated Hereditary Breast and Ovarian Cancer. Identifiers: Orphanet 145, MedGen C0677776, MeSH D061325, MONDO:0003582. Disease mechanism: loss of function.
BRCA2-related cancer predisposition. Identifiers: MedGen CN377758, MONDO:0700269.
Hereditary cancer-predisposing syndrome. Also called: Hereditary neoplastic syndrome; Tumor predisposition; Neoplastic Syndromes, Hereditary; Hereditary Cancer Syndrome. Identifiers: Orphanet 140162, MedGen C0027672, MeSH D009386, MONDO:0015356.

Allele frequency attached by ClinVar (database versions not stated): gnomAD exomes below 0.00001.
gnomAD v4.1: 1 of 1,605,274 alleles (0.000062%); highest among the groups gnomAD compares: Non-Finnish European, 0.000085%; no homozygotes.

Submissions (6):

Labcorp Genetics (formerly Invitae), Labcorp
Classification: Uncertain significance for Hereditary breast ovarian cancer syndrome. Last evaluated: 2025-12-24. Review status: criteria provided, single submitter. Criteria: Invitae Variant Classification Sherloc (09022015). Collection method: clinical testing. Allele origin: germline.
Comment: This sequence change replaces aspartic acid, which is acidic and polar, with asparagine, which is neutral and polar, at codon 608 of the BRCA2 protein (p.Asp608Asn). This variant is not present in population databases (gnomAD no frequency). This variant has not been reported in the literature in individuals affected with BRCA2-related conditions. ClinVar contains an entry for this variant (Variation ID: 419884). Invitae Evidence Modeling of protein sequence and biophysical properties (such as structural, functional, and spatial information, amino acid conservation, physicochemical variation, residue mobility, and thermodynamic stability) indicates that this missense variant is not expected to disrupt BRCA2 protein function with a negative predictive value of 95%. In summary, the available evidence is currently insufficient to determine the role of this variant in disease. Therefore, it has been classified as a Variant of Uncertain Significance.

Ambry Genetics
Classification: Uncertain significance for Hereditary cancer-predisposing syndrome. Last evaluated: 2025-08-25. Review status: criteria provided, single submitter. Criteria: Ambry Variant Classification Scheme 2023. Collection method: clinical testing. Allele origin: germline.
Comment: The p.D608N variant (also known as c.1822G>A), located in coding exon 9 of the BRCA2 gene, results from a G to A substitution at nucleotide position 1822. The aspartic acid at codon 608 is replaced by asparagine, an amino acid with highly similar properties. This variant was reported in 1/60,466 breast cancer cases and in 1/53,461 controls (Dorling et al. N Engl J Med, 2021 02;384:428-439). This amino acid position is not well conserved in available vertebrate species. In addition, this alteration is predicted to be tolerated by in silico analysis. Since supporting evidence is limited at this time, the clinical significance of this alteration remains unclear.

All of Us Research Program, National Institutes of Health
Classification: Uncertain significance for BRCA2-related cancer predisposition. Last evaluated: 2024-08-13. Review status: criteria provided, single submitter. Criteria: ACMG Guidelines, 2015. Collection method: clinical testing. Allele origin: germline. Inheritance: Autosomal dominant inheritance. Observed: 1 variant allele, 1 heterozygote.
Comment: This missense variant replaces aspartic acid with asparagine at codon 608 of the BRCA2 protein. Computational prediction suggests that this variant may not impact protein structure and function. To our knowledge, functional studies have not been reported for this variant. This variant has been detected in a breast cancer case-control meta-analysis in 1/60466 cases and 1/53461 unaffected individuals (PMID: 33471991; Leiden Open Variation Database DB-ID BRCA2_007896). This variant has not been identified in the general population by the Genome Aggregation Database (gnomAD). The available evidence is insufficient to determine the role of this variant in disease conclusively. Therefore, this variant is classified as a Variant of Uncertain Significance.

This study involves interpretation of variants in research participants for the purpose of population health screening. Participant phenotype was not available at the time of variant classification. Additional details can be found in publication PMID: 35346344, PMCID: PMC8962531

University of Washington Department of Laboratory Medicine, University of Washington
Classification: Likely benign for Hereditary cancer-predisposing syndrome. Last evaluated: 2023-03-23. Review status: criteria provided, single submitter. Criteria: Dines et al. (Genet Med. 2020). Collection method: curation. Allele origin: germline.
Comment: Missense variant in a coldspot region where missense variants are very unlikely to be pathogenic (PMID:31911673).

BRCA2 exon 10 coldspot. Reclassification based on statistical prior probability.

GeneDx
Classification: Uncertain significance. Last evaluated: 2022-12-22. Review status: criteria provided, single submitter. Criteria: GeneDx Variant Classification Process June 2021. Collection method: clinical testing. Allele origin: germline. Affected: yes.
Comment: Identified in individuals with breast cancer, but also in unaffected controls (Dorling et al., 2021); Not observed at significant frequency in large population cohorts (gnomAD); In silico analysis supports that this missense variant does not alter protein structure/function; Also known as 2050G>A; This variant is associated with the following publications: (PMID: 33471991)

Quest Diagnostics Nichols Institute San Juan Capistrano
Classification: Uncertain significance. Last evaluated: 2017-10-18. Review status: criteria provided, single submitter. Criteria: Quest Diagnostics criteria. Collection method: clinical testing. Allele origin: germline.

Literature cited by the submitters: PubMed 33471991 (cited by Ambry Genetics and All of Us Research Program, National Institutes of Health).

NM_000059.4(BRCA2):c.1822G>A (p.Asp608Asn)

Gene: BRCA2 (BRCA2 DNA repair associated; plus strand). Cytogenetic location: 13q13.1.
Variant type: single nucleotide variant.
Coding change: c.1822G>A on transcript NM_000059.4 (MANE Select); coding-DNA position 1822, G replaced by A.
Protein change: p.Asp608Asn; replaces aspartic acid 608 with asparagine.
Molecular consequence: missense variant.
Genome position (GRCh38, 1-based): chr13:32,333,300, G>A. VCF-style: chr13-32333300-G-A. GRCh37 (hg19) VCF-style: chr13-32907437-G-A.
Other names: short protein forms D608N.
Identifiers: ClinVar variation 419884 (VCV000419884.23), dbSNP rs1064794170, ClinGen allele CA16619662.